The following is an entry in ClinVar:

ClinVar aggregate classification (germline): Uncertain significance (1 of 4 stars; one submission).

Conditions:
Epidermolysis bullosa simplex 5B, with muscular dystrophy (EBS5B). Also called: Epidermolysis bullosa simplex with muscular dystrophy; EPIDERMOLYSIS BULLOSA SIMPLEX AND LIMB-GIRDLE MUSCULAR DYSTROPHY. Identifiers: Orphanet 257, MedGen C2931072, MONDO:0009181, OMIM 226670.
Autosomal recessive limb-girdle muscular dystrophy type 2Q (LGMDR17). Also called: MUSCULAR DYSTROPHY, LIMB-GIRDLE, AUTOSOMAL RECESSIVE 17. Identifiers: Orphanet 254361, MedGen C3150989, MONDO:0013390, OMIM 613723.
Epidermolysis bullosa simplex with nail dystrophy (EBS5D). Identifiers: MedGen C4225309, MONDO:0014661, OMIM 616487.
Epidermolysis bullosa simplex 5C, with pyloric atresia (EBS5C). Also called: PLEC-Related Epidermolysis Bullosa with Pyloric Atresia; Epidermolysis bullosa simplex with pyloric atresia; PLEC1-Related Epidermolysis Bullosa with Pyloric Atresia. Identifiers: Orphanet 158684, MedGen C2677349, MONDO:0012807, OMIM 612138.
Epidermolysis bullosa simplex, Ogna type (EBS5A). Also called: Pidermolysis bullosa simplex 5A, Ogna type; EPIDERMOLYSIS BULLOSA SIMPLEX 5A, OGNA TYPE. Identifiers: Orphanet 79401, MedGen C0432317, MONDO:0007555, OMIM 131950.

Allele frequency attached by ClinVar (database versions not stated): gnomAD exomes below 0.00001.
gnomAD v4.1: 2 of 1,534,650 alleles (0.00013%); highest among the groups gnomAD compares: South Asian, 0.0012%; no homozygotes.

Submission:

Labcorp Genetics (formerly Invitae), Labcorp
Classification: Uncertain significance for Autosomal recessive limb-girdle muscular dystrophy type 2Q; Epidermolysis bullosa simplex, Ogna type; Epidermolysis bullosa simplex with nail dystrophy; Epidermolysis bullosa simplex 5C, with pyloric atresia; Epidermolysis bullosa simplex 5B, with muscular dystrophy. Last evaluated: 2022-07-18. Review status: criteria provided, single submitter. Criteria: Invitae Variant Classification Sherloc (09022015). Collection method: clinical testing. Allele origin: germline.
Comment: In summary, the available evidence is currently insufficient to determine the role of this variant in disease. Therefore, it has been classified as a Variant of Uncertain Significance. Algorithms developed to predict the effect of missense changes on protein structure and function output the following: SIFT: "Tolerated"; PolyPhen-2: "Not Available"; Align-GVGD: "Class C0". The threonine amino acid residue is found in multiple mammalian species, which suggests that this missense change does not adversely affect protein function. ClinVar contains an entry for this variant (Variation ID: 968964). This variant has not been reported in the literature in individuals affected with PLEC-related conditions. This variant is not present in population databases (gnomAD no frequency). This sequence change replaces alanine, which is neutral and non-polar, with threonine, which is neutral and polar, at codon 1771 of the PLEC protein (p.Ala1771Thr).

NM_201384.3(PLEC):c.5230G>A (p.Ala1744Thr)

Gene: PLEC (plectin; minus strand). Cytogenetic location: 8q24.3.
Variant type: single nucleotide variant.
Coding change: c.5230G>A on transcript NM_201384.3 (MANE Select); coding-DNA position 5230, G replaced by A.
Protein change: p.Ala1744Thr; replaces alanine 1744 with threonine.
Molecular consequence: missense variant.
Genome position (GRCh38, 1-based): chr8:143,924,699, C>T on the plus strand (G>A on the coding strand, the complement: PLEC is on the minus strand). VCF-style: chr8-143924699-C-T. GRCh37 (hg19) VCF-style: chr8-144998867-C-T.
Other names: c.5311G>A, p.Ala1771Thr (NM_000445.5); c.5188G>A, p.Ala1730Thr (NM_201378.4); c.5164G>A, p.Ala1722Thr (NM_201379.3); c.5641G>A, p.Ala1881Thr (NM_201380.4); c.5134G>A, p.Ala1712Thr (NM_201381.3); c.5230G>A, p.Ala1744Thr (NM_201382.4); c.5242G>A, p.Ala1748Thr (NM_201383.3); short protein forms A1730T, A1881T, A1712T, A1744T, A1748T, A1722T, A1771T.
Identifiers: ClinVar variation 968964 (VCV000968964.7), dbSNP rs1554698711, ClinGen allele CA372548613.
Genomic context (GRCh38, chr8:143,924,699, plus strand): 5'-TCTCGGCCCGCACCTTGGCCAGCTCGGCTTCCAGCTCCTGCCGTTTCTGCGTGGCTGCAG[C>T]CGCCTCACGCTGCAGCCGGGCCAGCTCCTCCTCCAGCAGCTGCCGCTGCTGCTCCCCCTG-3'
Protein context (NP_958786.1, residues 1734-1754): EELARLQREA[Ala1744Thr]AATQKRQELE